The following is an entry in ClinVar:

NM_198253.3(TERT):c.2382+5G>C

Gene: TERT (telomerase reverse transcriptase; minus strand). Cytogenetic location: 5p15.33.
Variant type: single nucleotide variant.
Coding change: c.2382+5G>C on transcript NM_198253.3 (MANE Select); 5 bases into the intron after coding-DNA position 2382, G replaced by C.
Molecular consequence: intron variant.
Genome position (GRCh38, 1-based): chr5:1,272,180, C>G on the plus strand (G>C on the coding strand, the complement: TERT is on the minus strand). VCF-style: chr5-1272180-C-G. GRCh37 (hg19) VCF-style: chr5-1272295-C-G.
Other names: c.2382+5G>C (NM_001193376.3).
Identifiers: ClinVar variation 3967330 (VCV003967330.1).
Genomic context (GRCh38, chr5:1,272,180, plus strand): 5'-TGATTGCCCAGGGGAGGACCCACTGCTGGGAGTCCGTGCCCAACCCTGCAGGGCAGTGCC[C>G]AGACCTGCTCGATGACGACGGCATCCCTCAGCGGGCTGGTCTCCTGCAGGTGAGCCACGA-3'

ClinVar aggregate classification (germline): Uncertain significance (1 of 4 stars; one submission).

Conditions:
Dyskeratosis congenita. Identifiers: Orphanet 1775, MedGen C0265965, MONDO:0015780.

gnomAD v4.1: 1 of 1,607,334 alleles (0.000062%); highest among the groups gnomAD compares: Non-Finnish European, 0.000085%; no homozygotes.

Submission:

Ambry Genetics
Classification: Uncertain significance for Dyskeratosis congenita. Last evaluated: 2025-03-28. Review status: criteria provided, single submitter. Criteria: Ambry Variant Classification Scheme 2023. Collection method: clinical testing. Allele origin: germline.
Comment: The c.2382+5G>C intronic variant results from a G to C substitution 5 nucleotides after coding exon 7 in the TERT gene. This nucleotide position is well conserved in available vertebrate species. In silico splice site analysis predicts that this alteration will not have any significant effect on splicing. Based on the available evidence, the clinical significance of this variant remains unclear.